The following is an entry in ClinVar:

NM_000093.5(COL5A1):c.773A>G (p.Asn258Ser)

Gene: COL5A1 (collagen type V alpha 1 chain; plus strand). Cytogenetic location: 9q34.3.
Variant type: single nucleotide variant.
Coding change: c.773A>G on transcript NM_000093.5 (MANE Select); coding-DNA position 773, A replaced by G.
Protein change: p.Asn258Ser; replaces asparagine 258 with serine.
Molecular consequence: missense variant.
Genome position (GRCh38, 1-based): chr9:134,727,384, A>G. VCF-style: chr9-134727384-A-G. GRCh37 (hg19) VCF-style: chr9-137619230-A-G.
Other names: c.773A>G, p.Asn258Ser (NM_001278074.1); short protein forms N258S.
Identifiers: ClinVar variation 519658 (VCV000519658.5), dbSNP rs1554787566, ClinGen allele CA375446540.

ClinVar aggregate classification (germline): Uncertain significance (1 of 4 stars; one submission).

Conditions:
Familial thoracic aortic aneurysm and aortic dissection (TAAD). Also called: Thoracic aortic aneurysms and dissections. Identifiers: Orphanet 91387, MedGen C4707243, MONDO:0019625.

Submission:

Ambry Genetics
Classification: Uncertain significance for Familial thoracic aortic aneurysm and aortic dissection. Last evaluated: 2017-09-06. Review status: criteria provided, single submitter. Criteria: Ambry Variant Classification Scheme 2023. Collection method: clinical testing. Allele origin: germline.
Comment: The p.N258S variant (also known as c.773A>G), located in coding exon 5 of the COL5A1 gene, results from an A to G substitution at nucleotide position 773. The asparagine at codon 258 is replaced by serine, an amino acid with highly similar properties. This amino acid position is well conserved in available vertebrate species; however, serine is the reference amino acid in other vertebrate species. In addition, this alteration is predicted to be tolerated by in silico analysis. Since supporting evidence is limited at this time, the clinical significance of this alteration remains unclear.